The following is an entry in ClinVar:

NM_000789.4(ACE):c.3540G>A (p.Pro1180=)

Gene: ACE (angiotensin I converting enzyme; plus strand). Cytogenetic location: 17q23.3.
Variant type: single nucleotide variant.
Coding change: c.3540G>A on transcript NM_000789.4 (MANE Select); coding-DNA position 3540, G replaced by A.
Protein change: p.Pro1180=; no amino-acid change (proline 1180 retained).
Molecular consequence: synonymous variant. On other transcripts: non-coding transcript variant (1).
Genome position (GRCh38, 1-based): chr17:63,496,834, G>A. VCF-style: chr17-63496834-G-A. GRCh37 (hg19) VCF-style: chr17-61574195-G-A.
Other names: c.1695G>A, p.Pro565= (NM_001178057.2); c.2973G>A, p.Pro991= (NM_001382700.1); c.2688G>A, p.Pro896= (NM_001382701.1); c.1155G>A, p.Pro385= (NM_001382702.1); c.1818G>A, p.Pro606= (NM_152830.3).
Identifiers: ClinVar variation 2966865 (VCV002966865.17), dbSNP rs376216920, ClinGen allele CA8700548.

ClinVar aggregate classification (germline): Likely benign. Review status: criteria provided, multiple submitters, no conflicts (2 of 4 stars). 2 submissions from 2 submitters: Likely benign (2). Last evaluated 2025-07-30.

Allele frequency attached by ClinVar (database versions not stated): gnomAD 0.00004; ExAC 0.00006; TOPMed 0.00006; ESP Exome Variant Server 0.00015.

Submissions (2):

Labcorp Genetics (formerly Invitae), Labcorp
Classification: Likely benign. Last evaluated: 2025-07-30. Review status: criteria provided, single submitter. Criteria: Invitae Variant Classification Sherloc (09022015). Collection method: clinical testing. Allele origin: germline.

CeGaT Center for Human Genetics Tuebingen
Classification: Likely benign. Last evaluated: 2024-10-01. Review status: criteria provided, single submitter. Criteria: CeGaT Center For Human Genetics Tuebingen Variant Classification Criteria Version 2. Collection method: clinical testing. Allele origin: germline. Affected: yes. Observed: 1 variant allele.
Comment: ACE: BP4, BP7